The following is an entry in ClinVar:

NM_002485.5(NBN):c.535G>A (p.Glu179Lys)

Gene: NBN (nibrin; minus strand). Cytogenetic location: 8q21.3.
Variant type: single nucleotide variant.
Coding change: c.535G>A on transcript NM_002485.5 (MANE Select); coding-DNA position 535, G replaced by A.
Protein change: p.Glu179Lys; replaces glutamic acid 179 with lysine.
Molecular consequence: missense variant.
Genome position (GRCh38, 1-based): chr8:89,978,269, C>T on the plus strand (G>A on the coding strand, the complement: NBN is on the minus strand). VCF-style: chr8-89978269-C-T. GRCh37 (hg19) VCF-style: chr8-90990497-C-T.
Other names: c.289G>A, p.Glu97Lys (NM_001024688.3); short protein forms E97K, E179K.
Identifiers: ClinVar variation 825676 (VCV000825676.16), dbSNP rs1293382034, ClinGen allele CA371660279.

ClinVar aggregate classification (germline): Uncertain significance. Review status: criteria provided, multiple submitters, no conflicts (2 of 4 stars). 3 submissions from 3 submitters: Uncertain significance (3). Last evaluated 2024-03-16.

Conditions:
Microcephaly, normal intelligence and immunodeficiency (NBS). Also called: Nijmegen breakage syndrome; Microcephaly with normal intelligence immunodeficiency and lymphoreticular malignancies; Nonsyndromal microcephaly autosomal recessive with normal intelligence; Seemanova syndrome 2; Ataxia telangiectasia variant V1; BERLIN BREAKAGE SYNDROME. Identifiers: Orphanet 647, MedGen C0398791, MONDO:0009623, OMIM 251260.
Hereditary cancer-predisposing syndrome. Also called: Neoplastic Syndromes, Hereditary; Hereditary Cancer Syndrome; Hereditary neoplastic syndrome; Tumor predisposition. Identifiers: Orphanet 140162, MedGen C0027672, MeSH D009386, MONDO:0015356.

Allele frequency attached by ClinVar (database versions not stated): gnomAD exomes below 0.00001.
gnomAD v4.1: 1 of 1,603,048 alleles (0.000062%); highest among the groups gnomAD compares: Admixed American, 0.0017%; no homozygotes.

Submissions (3):

Ambry Genetics
Classification: Uncertain significance for Hereditary cancer-predisposing syndrome. Last evaluated: 2024-03-16. Review status: criteria provided, single submitter. Criteria: Ambry Variant Classification Scheme 2023. Collection method: clinical testing. Allele origin: germline.
Comment: The p.E179K variant (also known as c.535G>A), located in coding exon 5 of the NBN gene, results from a G to A substitution at nucleotide position 535. The glutamic acid at codon 179 is replaced by lysine, an amino acid with similar properties. This amino acid position is highly conserved in available vertebrate species. In addition, this alteration is predicted to be deleterious by in silico analysis. Since supporting evidence is limited at this time, the clinical significance of this alteration remains unclear.

Labcorp Genetics (formerly Invitae), Labcorp
Classification: Uncertain significance for Microcephaly, normal intelligence and immunodeficiency. Last evaluated: 2022-10-07. Review status: criteria provided, single submitter. Criteria: Invitae Variant Classification Sherloc (09022015). Collection method: clinical testing. Allele origin: germline.
Comment: This variant has not been reported in the literature in individuals affected with NBN-related conditions. In summary, the available evidence is currently insufficient to determine the role of this variant in disease. Therefore, it has been classified as a Variant of Uncertain Significance. Algorithms developed to predict the effect of missense changes on protein structure and function are either unavailable or do not agree on the potential impact of this missense change (SIFT: "Tolerated"; PolyPhen-2: "Possibly Damaging"; Align-GVGD: "Class C0"). ClinVar contains an entry for this variant (Variation ID: 825676). This variant is present in population databases (no rsID available, gnomAD 0.003%). This sequence change replaces glutamic acid, which is acidic and polar, with lysine, which is basic and polar, at codon 179 of the NBN protein (p.Glu179Lys).

Genome-Nilou Lab
Classification: Uncertain significance for Microcephaly, normal intelligence and immunodeficiency. Last evaluated: 2021-11-07. Review status: criteria provided, single submitter. Criteria: ACMG Guidelines, 2015. Collection method: clinical testing. Allele origin: germline. Affected: no.